The following is an entry in ClinVar:

ClinVar aggregate classification (germline): Conflicting classifications of pathogenicity. Review status: criteria provided, conflicting classifications (1 of 4 stars). 7 submissions from 7 submitters: Uncertain significance (4); Likely benign (1). 2 of the submissions do not count toward it. Last evaluated 2026-06-12.

Conditions:
Inborn genetic diseases. Identifiers: MedGen C0950123, MeSH D030342.
Neuronal ceroid lipofuscinosis. Also called: Neuronal Ceroid Lipofuscinoses. Identifiers: Orphanet 216, Orphanet 79263, MedGen C0027877, MONDO:0016295. Disease mechanism: loss of function.
Ceroid lipofuscinosis, neuronal, 6A. Also called: Neuronal ceroid lipofuscinosis, Gypsy/Indian early juvenile variant; Neuronal ceroid lipofuscinosis 6; CLN6-Related Neuronal Ceroid-Lipofuscinosis; Neuronal ceroid lipofuscinosis, late infantile, variant. Identifiers: Orphanet 168491, Orphanet 228363, MedGen C5551375, MONDO:0011144, OMIM 601780.

Allele frequency attached by ClinVar (database versions not stated): gnomAD 0.00003 and 0.00004; TOPMed 0.00009; ESP Exome Variant Server 0.00015; ExAC 0.00017; gnomAD exomes 0.00020.
gnomAD v4.1: 139 of 1,613,998 alleles (0.0086%); highest among the groups gnomAD compares: Admixed American, 0.012%; no homozygotes.

Submissions (7):

Women's Health and Genetics/Laboratory Corporation of America, LabCorp
Classification: Uncertain significance. Last evaluated: 2026-06-12. Review status: criteria provided, single submitter. Criteria: LabCorp Variant Classification Summary - May 2015. Collection method: clinical testing. Allele origin: germline.
Comment: Variant summary: CLN6 c.755G>A (p.Arg252His) results in a non-conservative amino acid change in the encoded protein sequence. Algorithms developed to predict the effect of missense changes on protein structure and function all suggest that this variant is likely to be disruptive. The variant allele was found at a frequency of 0.0002 in 251200 control chromosomes. This frequency is not significantly higher than estimated for disease-causing variants in CLN6, allowing no conclusion about variant significance. c.755G>A has been observed in an study on variants associated with Neuronal Ceroid Lipofuscinoses without specified clinical and family information (Kousi_2012). These report(s) do not provide unequivocal conclusions about association of the variant with disease. To our knowledge, no experimental evidence demonstrating an impact on protein function has been reported. The following publication have been ascertained in the context of this evaluation (PMID: 21990111). ClinVar contains an entry for this variant (Variation ID: 205176). Based on the evidence outlined above, the variant was classified as uncertain significance.

Labcorp Genetics (formerly Invitae), Labcorp
Classification: Likely benign for Neuronal ceroid lipofuscinosis. Last evaluated: 2026-01-27. Review status: criteria provided, single submitter. Criteria: Invitae Variant Classification Sherloc (09022015). Collection method: clinical testing. Allele origin: germline.

Blueprint Genetics
Classification: Uncertain significance. Last evaluated: 2024-04-25. Review status: criteria provided, single submitter. Criteria: ACMG Guidelines, 2015. Collection method: clinical testing. Allele origin: germline.

GeneDx
Classification: Uncertain significance. Last evaluated: 2019-06-04. Review status: criteria provided, single submitter. Criteria: GeneDx Variant Classification Process June 2021. Collection method: clinical testing. Allele origin: germline. Affected: yes.
Comment: In silico analysis, which includes protein predictors and evolutionary conservation, supports that this variant does not alter protein structure/function; Previously reported two patients with suspected neuronal ceroid lipofuscinosis (NCL); the first patient also had a frameshift variant in CLN6; however, phase was unknown and functional/EM studies were not performed; the second patient did not have a second CLN6 variant clearly identified but EM studies were consistent with the diagnosis of NCL (Kousi et al., 2012); This variant is associated with the following publications: (PMID: 21990111)

Ambry Genetics
Classification: Uncertain significance for Inborn genetic diseases. Last evaluated: 2018-03-13. Review status: criteria provided, single submitter. Criteria: Ambry Variant Classification Scheme 2023. Collection method: clinical testing. Allele origin: germline.
Comment: The p.R252H variant (also known as c.755G>A), located in coding exon 7 of the CLN6 gene, results from a G to A substitution at nucleotide position 755. The arginine at codon 252 is replaced by histidine, an amino acid with highly similar properties. This alteration has been detected in two individuals with suspected diagnoses of neuronal ceroid lipofuscinosis (NCL). The first individual also carried the p.F185Lfs*17 CLN6 alteration; however, phase was not confirmed. The second individual did not have a second CLN6 alteration identified (Kousi M et al. Hum. Mutat., 2012 Jan;33:42-63; Kohan R et al. Biochim. Biophys. Acta, 2015 Oct;1852:2301-11). This amino acid position is not well conserved in available vertebrate species. In addition, the in silico prediction for this alteration is inconclusive. Since supporting evidence is limited at this time, the clinical significance of this alteration remains unclear.

Counsyl
Classification: Uncertain significance for Ceroid lipofuscinosis, neuronal, 6A. Last evaluated: 2017-12-20. Review status: no assertion criteria provided. Collection method: clinical testing. Allele origin: unknown. Not counted in ClinVar's aggregate classification.

Translational Research Program on Neuronal Ceroid Lipofuscinosis, Center for the Study of Inborn Errors of Metabolism
Classification: Pathogenic for Ceroid lipofuscinosis, neuronal, 6A. Review status: no assertion criteria provided. Collection method: research. Allele origin: inherited. Affected: yes. Observed: 1 variant allele. Not counted in ClinVar's aggregate classification.
Comment: Late Infantile NCL

Literature cited by the submitters: PubMed 21990111 (cited by 3 submitters); PubMed 25976102 (cited by Ambry Genetics); PubMed 26206375 (cited by Counsyl).

NM_017882.3(CLN6):c.755G>A (p.Arg252His)

Gene: CLN6 (CLN6 transmembrane ER protein; minus strand). Cytogenetic location: 15q23.
Variant type: single nucleotide variant.
Coding change: c.755G>A on transcript NM_017882.3 (MANE Select); coding-DNA position 755, G replaced by A.
Protein change: p.Arg252His; replaces arginine 252 with histidine.
Molecular consequence: missense variant.
Genome position (GRCh38, 1-based): chr15:68,208,321, C>T on the plus strand (G>A on the coding strand, the complement: CLN6 is on the minus strand). VCF-style: chr15-68208321-C-T. GRCh37 (hg19) VCF-style: chr15-68500659-C-T.
Other names: p.R252H:CGC>CAC; short protein forms R252H.
Identifiers: ClinVar variation 205176 (VCV000205176.21), dbSNP rs374681194, ClinGen allele CA313980.